The following is an entry in ClinVar:

ClinVar aggregate classification (germline): Uncertain significance. Review status: criteria provided, multiple submitters, no conflicts (2 of 4 stars). 2 submissions from 2 submitters: Uncertain significance (2). Last evaluated 2020-01-14.

Conditions:
Hereditary cancer-predisposing syndrome. Also called: Hereditary Cancer Syndrome; Neoplastic Syndromes, Hereditary; Tumor predisposition; Hereditary neoplastic syndrome. Identifiers: Orphanet 140162, MedGen C0027672, MeSH D009386, MONDO:0015356.
Familial cancer of breast. Also called: BREAST CANCER, FAMILIAL; Hereditary breast cancer; hereditary breast carcinoma. Identifiers: Orphanet 227535, MedGen C0346153, MONDO:0016419, OMIM 114480. Disease mechanism: loss of function.

Submissions (2):

Labcorp Genetics (formerly Invitae), Labcorp
Classification: Uncertain significance for Familial cancer of breast. Last evaluated: 2020-01-14. Review status: criteria provided, single submitter. Criteria: Invitae Variant Classification Sherloc (09022015). Collection method: clinical testing. Allele origin: germline.
Comment: In summary, the available evidence is currently insufficient to determine the role of this variant in disease. Therefore, it has been classified as a Variant of Uncertain Significance. Algorithms developed to predict the effect of missense changes on protein structure and function (SIFT, PolyPhen-2, Align-GVGD) all suggest that this variant is likely to be tolerated, but these predictions have not been confirmed by published functional studies and their clinical significance is uncertain. This variant has not been reported in the literature in individuals with BARD1-related conditions. ClinVar contains an entry for this variant (Variation ID: 481369). This variant is not present in population databases (ExAC no frequency). This sequence change replaces glutamic acid with lysine at codon 125 of the BARD1 protein (p.Glu125Lys). The glutamic acid residue is moderately conserved and there is a small physicochemical difference between glutamic acid and lysine.

Ambry Genetics
Classification: Uncertain significance for Hereditary cancer-predisposing syndrome. Last evaluated: 2016-01-27. Review status: criteria provided, single submitter. Criteria: Ambry Variant Classification Scheme 2023. Collection method: clinical testing. Allele origin: germline.
Comment: The p.E125K variant (also known as c.373G>A), located in coding exon 4 of the BARD1 gene, results from a G to A substitution at nucleotide position 373. The glutamic acid at codon 125 is replaced by lysine, an amino acid with similar properties. This variant was not reported in population based cohorts in the following databases: Database of Single Nucleotide Polymorphisms (dbSNP), NHLBI Exome Sequencing Project (ESP), and 1000 Genomes Project. In the ESP, this variant was not observed in 6485 samples (12970 alleles) with coverage at this position. To date, this alteration has been detected with an allele frequency of approximately 0.001% (greater than 120000 alleles tested) in our clinical cohort. This amino acid position is not well conserved in available vertebrate species. In addition, this alteration is predicted to be tolerated by in silico analysis. Since supporting evidence is limited at this time, the clinical significance of this alteration remains unclear.

NM_000465.4(BARD1):c.373G>A (p.Glu125Lys)

Gene: BARD1 (BRCA1 associated RING domain 1; minus strand). Cytogenetic location: 2q35.
Variant type: single nucleotide variant.
Coding change: c.373G>A on transcript NM_000465.4 (MANE Select); coding-DNA position 373, G replaced by A.
Protein change: p.Glu125Lys; replaces glutamic acid 125 with lysine.
Molecular consequence: missense variant. On other transcripts: non-coding transcript variant (2), intron variant (3).
Genome position (GRCh38, 1-based): chr2:214,781,501, C>T on the plus strand (G>A on the coding strand, the complement: BARD1 is on the minus strand). VCF-style: chr2-214781501-C-T. GRCh37 (hg19) VCF-style: chr2-215646225-C-T.
Other names: c.316G>A, p.Glu106Lys (NM_001282543.2); c.158+27911G>A (NM_001282548.2); c.215+15560G>A (NM_001282545.2); c.364+10796G>A (NM_001282549.2); short protein forms E125K, E106K.
Identifiers: ClinVar variation 481369 (VCV000481369.15), dbSNP rs1553622720, ClinGen allele CA350458362.